The following is an entry in ClinVar:

ClinVar aggregate classification (germline): Uncertain significance (1 of 4 stars; one submission).

Conditions:
Inborn genetic diseases. Identifiers: MedGen C0950123, MeSH D030342.

gnomAD v4.1: 1 of 1,614,028 alleles (0.000062%); highest among the groups gnomAD compares: African/African-American, 0.0013%; no homozygotes.

Submission:

Ambry Genetics
Classification: Uncertain significance for Inborn genetic diseases. Last evaluated: 2026-01-10. Review status: criteria provided, single submitter. Criteria: Ambry Variant Classification Scheme 2023. Collection method: clinical testing. Allele origin: germline.
Comment: The p.D854E variant (also known as c.2562T>G), located in coding exon 27 of the FANCA gene, results from a T to G substitution at nucleotide position 2562. The aspartic acid at codon 854 is replaced by glutamic acid, an amino acid with highly similar properties. This amino acid position is conserved. In addition, this alteration is predicted to be tolerated by in silico analysis. Based on the available evidence, the clinical significance of this variant remains unclear.

NM_000135.4(FANCA):c.2562T>G (p.Asp854Glu)

Gene: FANCA (FA complementation group A; minus strand). Cytogenetic location: 16q24.3.
Variant type: single nucleotide variant.
Coding change: c.2562T>G on transcript NM_000135.4 (MANE Select); coding-DNA position 2562, T replaced by G.
Protein change: p.Asp854Glu; replaces aspartic acid 854 with glutamic acid.
Molecular consequence: missense variant.
Genome position (GRCh38, 1-based): chr16:89,767,180, A>C on the plus strand (T>G on the coding strand, the complement: FANCA is on the minus strand). VCF-style: chr16-89767180-A-C. GRCh37 (hg19) VCF-style: chr16-89833588-A-C.
Other names: c.2562T>G, p.Asp854Glu (NM_001286167.3); short protein forms D854E.
Identifiers: ClinVar variation 4843035 (VCV004843035.1).